The following is an entry in ClinVar:

NM_000405.5(GM2A):c.449G>A (p.Ser150Asn)

Gene: GM2A (ganglioside GM2 activator; plus strand). Cytogenetic location: 5q33.1.
Variant type: single nucleotide variant.
Coding change: c.449G>A on transcript NM_000405.5 (MANE Select); coding-DNA position 449, G replaced by A.
Protein change: p.Ser150Asn; replaces serine 150 with asparagine.
Molecular consequence: missense variant. On other transcripts: intron variant (1).
Genome position (GRCh38, 1-based): chr5:151,267,318, G>A. VCF-style: chr5-151267318-G-A. GRCh37 (hg19) VCF-style: chr5-150646879-G-A.
Other names: c.413-174G>A (NM_001167607.3); short protein forms S150N.
Identifiers: ClinVar variation 2134801 (VCV002134801.4), dbSNP rs1280352884, ClinGen allele CA361808462.

ClinVar aggregate classification (germline): Uncertain significance (1 of 4 stars; one submission).

Conditions:
Tay-Sachs disease, variant AB. Also called: Gm2-gangliosidosis, ab variant; GM2 Activator Deficiency. Identifiers: Orphanet 309246, MedGen C0268275, MONDO:0010099, OMIM 272750.

Submission:

Labcorp Genetics (formerly Invitae), Labcorp
Classification: Uncertain significance for Tay-Sachs disease, variant AB. Last evaluated: 2022-05-16. Review status: criteria provided, single submitter. Criteria: Invitae Variant Classification Sherloc (09022015). Collection method: clinical testing. Allele origin: germline.
Comment: This sequence change replaces serine, which is neutral and polar, with asparagine, which is neutral and polar, at codon 150 of the GM2A protein (p.Ser150Asn). In summary, the available evidence is currently insufficient to determine the role of this variant in disease. Therefore, it has been classified as a Variant of Uncertain Significance. Algorithms developed to predict the effect of missense changes on protein structure and function are either unavailable or do not agree on the potential impact of this missense change (SIFT: "Deleterious"; PolyPhen-2: "Possibly Damaging"; Align-GVGD: "Class C0"). This variant has not been reported in the literature in individuals affected with GM2A-related conditions. This variant is not present in population databases (gnomAD no frequency).